The following is an entry in ClinVar:

ClinVar aggregate classification (germline): Conflicting classifications of pathogenicity. Review status: criteria provided, conflicting classifications (1 of 4 stars). 2 submissions from 2 submitters: Uncertain significance (1); Likely benign (1). Last evaluated 2026-06-06.

Conditions:
Cardiovascular phenotype. Identifiers: MedGen CN230736.
DK1-congenital disorder of glycosylation. Also called: CONGENITAL DISORDER OF GLYCOSYLATION, TYPE Im; CDG Im; DK1 DEFICIENCY; DOLICHOL KINASE DEFICIENCY; DOLK-congenital disorder of glycosylation; Carbohydrate deficient glycoprotein syndrome type 1m. Identifiers: Orphanet 91131, MedGen C1835849, MONDO:0012556, OMIM 610768.

Allele frequency attached by ClinVar (database versions not stated): TOPMed below 0.00001; ExAC 0.00001; gnomAD exomes below 0.00001.

Submissions (2):

Ambry Genetics
Classification: Likely benign for Cardiovascular phenotype. Last evaluated: 2026-06-06. Review status: criteria provided, single submitter. Criteria: Ambry Variant Classification Scheme 2023. Collection method: clinical testing. Allele origin: germline.

Labcorp Genetics (formerly Invitae), Labcorp
Classification: Uncertain significance for DK1-congenital disorder of glycosylation. Last evaluated: 2024-01-02. Review status: criteria provided, single submitter. Criteria: Invitae Variant Classification Sherloc (09022015). Collection method: clinical testing. Allele origin: germline.
Comment: This sequence change affects codon 408 of the DOLK mRNA. It is a 'silent' change, meaning that it does not change the encoded amino acid sequence of the DOLK protein. This variant is present in population databases (rs770126479, gnomAD 0.006%). This variant has not been reported in the literature in individuals affected with DOLK-related conditions. In summary, the available evidence is currently insufficient to determine the role of this variant in disease. Therefore, it has been classified as a Variant of Uncertain Significance.

NM_014908.4(DOLK):c.1224C>T (p.His408=)

Gene: DOLK (dolichol kinase; minus strand). Cytogenetic location: 9q34.11.
Variant type: single nucleotide variant.
Coding change: c.1224C>T on transcript NM_014908.4 (MANE Select); coding-DNA position 1224, C replaced by T.
Protein change: p.His408=; no amino-acid change (histidine 408 retained).
Molecular consequence: synonymous variant.
Genome position (GRCh38, 1-based): chr9:128,946,080, G>A on the plus strand (C>T on the coding strand, the complement: DOLK is on the minus strand). VCF-style: chr9-128946080-G-A. GRCh37 (hg19) VCF-style: chr9-131708359-G-A.
Identifiers: ClinVar variation 2849036 (VCV002849036.4), dbSNP rs770126479, ClinGen allele CA5271605.